The following is an entry in ClinVar:

ClinVar aggregate classification (germline): Pathogenic (1 of 4 stars; one submission).

Conditions:
Alport syndrome. Also called: Hemorrhagic familial nephritis; Hemorrhagic hereditary nephritis; Congenital hereditary hematuria. Identifiers: Orphanet 63, MedGen C1567741, MONDO:0018965.

Submission:

Myriad Genetics, Inc.
Classification: Pathogenic for Alport syndrome. Last evaluated: 2024-08-31. Review status: criteria provided, single submitter. Criteria: Myriad Autosomal Dominant, Autosomal Recessive and X-Linked Classification Criteria (2023). Collection method: clinical testing. Allele origin: unknown.
Comment: NM_000092.4(COL4A4):c.4473T>G(Y1491*) is expected to be pathogenic in the context of Alport syndrome, COL4A4-related. This variant is predicted to lead to an abnormal or absent protein product due to the creation of a premature termination codon in COL4A4, a gene where loss-of-function variants are known to be pathogenic. Please note: this variant was assessed in the context of healthy population screening.

NM_000092.5(COL4A4):c.4473T>G (p.Tyr1491Ter)

Gene: COL4A4 (collagen type IV alpha 4 chain; minus strand). Cytogenetic location: 2q36.3.
Variant type: single nucleotide variant.
Coding change: c.4473T>G on transcript NM_000092.5 (MANE Select); coding-DNA position 4473, T replaced by G.
Protein change: p.Tyr1491Ter; replaces tyrosine 1491 with a stop codon.
Molecular consequence: nonsense.
Genome position (GRCh38, 1-based): chr2:227,010,362, A>C on the plus strand (T>G on the coding strand, the complement: COL4A4 is on the minus strand). VCF-style: chr2-227010362-A-C. GRCh37 (hg19) VCF-style: chr2-227875078-A-C.
Other names: short protein forms Y1491*.
Identifiers: ClinVar variation 5013509 (VCV005013509.1).